The following is an entry in ClinVar:

NM_032444.4(SLX4):c.4683G>A (p.Thr1561=)

Gene: SLX4 (SLX4 structure-specific endonuclease subunit; minus strand). Cytogenetic location: 16p13.3.
Variant type: single nucleotide variant.
Coding change: c.4683G>A on transcript NM_032444.4 (MANE Select); coding-DNA position 4683, G replaced by A.
Protein change: p.Thr1561=; no amino-acid change (threonine 1561 retained).
Molecular consequence: synonymous variant.
Genome position (GRCh38, 1-based): chr16:3,584,825, C>T on the plus strand (G>A on the coding strand, the complement: SLX4 is on the minus strand). VCF-style: chr16-3584825-C-T. GRCh37 (hg19) VCF-style: chr16-3634826-C-T.
Identifiers: ClinVar variation 1575483 (VCV001575483.23), dbSNP rs141196682, ClinGen allele CA7865550.
Genomic context (GRCh38, chr16:3,584,825, plus strand): 5'-CAACCTATCCAGTTCCTTCTTCAGCACCGGCGTCTCCATAATGGAATACTGTGGCATCGG[C>T]GTTATGGGCACTTTGGGGGGCAAGTTCTTCTTCCGATTAGCACCTTCTGGGTAAAACAAA-3'
Protein context (NP_115820.2, residues 1551-1571): KKNLPPKVPI[Thr1561=]PMPQYSIMET

ClinVar aggregate classification (germline): Likely benign. Review status: criteria provided, multiple submitters, no conflicts (2 of 4 stars). 3 submissions from 3 submitters: Likely benign (3). Last evaluated 2025-07-01.

Conditions:
Fanconi anemia (FA). Also called: Fanconi's anemia. Identifiers: Orphanet 84, MedGen C0015625, MeSH D005199, MONDO:0019391.

Allele frequency attached by ClinVar (database versions not stated): gnomAD 0.00001; TOPMed 0.00001; gnomAD exomes 0.00002 and 0.00003; ExAC 0.00003; ESP Exome Variant Server 0.00008.

Submissions (3):

Labcorp Genetics (formerly Invitae), Labcorp
Classification: Likely benign for Fanconi anemia. Last evaluated: 2025-07-01. Review status: criteria provided, single submitter. Criteria: Invitae Variant Classification Sherloc (09022015). Collection method: clinical testing. Allele origin: germline.

CeGaT Center for Human Genetics Tuebingen
Classification: Likely benign. Last evaluated: 2024-11-01. Review status: criteria provided, single submitter. Criteria: CeGaT Center For Human Genetics Tuebingen Variant Classification Criteria Version 2. Collection method: clinical testing. Allele origin: germline. Affected: yes. Observed: 1 variant allele.
Comment: SLX4: BP4, BP7

Blueprint Genetics
Classification: Likely benign. Last evaluated: 2023-10-17. Review status: criteria provided, single submitter. Criteria: ACMG Guidelines, 2015. Collection method: clinical testing. Allele origin: germline.